The following is an entry in ClinVar:

ClinVar aggregate classification (germline): Uncertain significance (1 of 4 stars; one submission).

Conditions:
Hereditary cancer-predisposing syndrome. Also called: Tumor predisposition; Hereditary Cancer Syndrome; Neoplastic Syndromes, Hereditary; Hereditary neoplastic syndrome. Identifiers: Orphanet 140162, MedGen C0027672, MeSH D009386, MONDO:0015356.

Submission:

Ambry Genetics
Classification: Uncertain significance for Hereditary cancer-predisposing syndrome. Last evaluated: 2021-06-17. Review status: criteria provided, single submitter. Criteria: Ambry Variant Classification Scheme 2023. Collection method: clinical testing. Allele origin: germline.
Comment: The c.2616+3_2616+7delAACGT intronic variant, located in intron 17 of the SMARCA4 gene, results from a deletion of 5 nucleotides within intron 17 of the SMARCA4 gene. This nucleotide region is not well conserved in available vertebrate species. In silico splice site analysis predicts that this alteration will weaken the native splice donor site. Since supporting evidence is limited at this time, the clinical significance of this alteration remains unclear.

NM_003072.5(SMARCA4):c.2616+3_2616+7del

Gene: SMARCA4 (SWI/SNF related BAF chromatin remodeling complex subunit ATPase 4; plus strand). Cytogenetic location: 19p13.2.
Variant type: Deletion.
Coding change: c.2616+3_2616+7del on transcript NM_003072.5 (MANE Select); bases 3 to 7 of the intron after coding-DNA position 2616, 5 bases deleted (AACGT; older notation c.2616+3_2616+7delAACGT).
Molecular consequence: splice donor variant.
Genome position (GRCh38, 1-based): chr19:11,019,704-11,019,708, AACGT deleted; deleting any 5 consecutive bases within chr19:11,019,702-11,019,708 gives the same sequence; the c. name uses the placement nearest the transcript's 3' end. VCF-style (leftmost placement, unchanged base first): chr19-11019701-GGTAAC-G. GRCh37 (hg19) VCF-style: chr19-11130377-GGTAAC-G.
Other names: c.2616+3_2616+7del (NM_001128844.3, NM_001128849.3, NM_001128847.4 and 5 more transcripts).
Identifiers: ClinVar variation 1793852 (VCV001793852.2), dbSNP rs2514831419, ClinGen allele CA2580096241.
Genomic context (GRCh38, chr19:11,019,701, plus strand): 5'-GTTCAACGTCTTGCTGACGACGTACGAGTACATCATCAAAGACAAGCACATCCTCGCCAA[GGTAAC>G]GTGTCCCTGTGGGAAATGCCAGGCCATGGGCCGAGTGCTCACACGTGGGTCACGCTGCCC-3'